The following is an entry in ClinVar:

ClinVar aggregate classification (germline): Uncertain significance. Review status: criteria provided, multiple submitters, no conflicts (2 of 4 stars). 2 submissions from 2 submitters: Uncertain significance (2). Last evaluated 2026-03-19.

Conditions:
Inborn genetic diseases. Identifiers: MedGen C0950123, MeSH D030342.

Allele frequency attached by ClinVar (database versions not stated): TOPMed 0.00002.

Submissions (2):

Ambry Genetics
Classification: Uncertain significance for Inborn genetic diseases. Last evaluated: 2026-03-19. Review status: criteria provided, single submitter. Criteria: Ambry Variant Classification Scheme 2023. Collection method: clinical testing. Allele origin: germline.

Labcorp Genetics (formerly Invitae), Labcorp
Classification: Uncertain significance. Last evaluated: 2025-11-21. Review status: criteria provided, single submitter. Criteria: Invitae Variant Classification Sherloc (09022015). Collection method: clinical testing. Allele origin: germline.
Comment: This sequence change replaces valine, which is neutral and non-polar, with phenylalanine, which is neutral and non-polar, at codon 1092 of the CACNA1D protein (p.Val1092Phe). This variant is not present in population databases (gnomAD no frequency). This variant has not been reported in the literature in individuals affected with CACNA1D-related conditions. ClinVar contains an entry for this variant (Variation ID: 2779951). Invitae Evidence Modeling of protein sequence and biophysical properties (such as structural, functional, and spatial information, amino acid conservation, physicochemical variation, residue mobility, and thermodynamic stability) indicates that this missense variant is not expected to disrupt CACNA1D protein function with a negative predictive value of 80%. In summary, the available evidence is currently insufficient to determine the role of this variant in disease. Therefore, it has been classified as a Variant of Uncertain Significance.

NM_001128840.3(CACNA1D):c.3214G>T (p.Val1072Phe)

Gene: CACNA1D (calcium voltage-gated channel subunit alpha1 D; plus strand). Cytogenetic location: 3p21.1.
Variant type: single nucleotide variant.
Coding change: c.3214G>T on transcript NM_001128840.3 (MANE Select); coding-DNA position 3214, G replaced by T.
Protein change: p.Val1072Phe; replaces valine 1072 with phenylalanine.
Molecular consequence: missense variant.
Genome position (GRCh38, 1-based): chr3:53,747,348, G>T. VCF-style: chr3-53747348-G-T. GRCh37 (hg19) VCF-style: chr3-53781375-G-T.
Other names: c.3274G>T, p.Val1092Phe (NM_000720.4); c.3214G>T, p.Val1072Phe (NM_001128839.3); c.3274G>T (NM_000720.2); short protein forms V1092F, V1072F.
Identifiers: ClinVar variation 2779951 (VCV002779951.4), dbSNP rs2095179994, ClinGen allele CA353247525.
Genomic context (GRCh38, chr3:53,747,348, plus strand): 5'-GTTTTCCTCTCCAGGGGACTTTTCATCCTCTACAAGGATGGGGATGTTGACAGTCCTGTG[G>T]TCCGTGAACGGATCTGGCAAAACAGTGATTTCAACTTCGACAACGTCCTCTCTGCTATGA-3'
Protein context (NP_001122312.1, residues 1062-1082): YKDGDVDSPV[Val1072Phe]RERIWQNSDF